The following is an entry in ClinVar:

NM_000271.5(NPC1):c.2881A>G (p.Asn961Asp)

Gene: NPC1 (NPC intracellular cholesterol transporter 1; minus strand). Cytogenetic location: 18q11.2.
Variant type: single nucleotide variant.
Coding change: c.2881A>G on transcript NM_000271.5 (MANE Select); coding-DNA position 2881, A replaced by G.
Protein change: p.Asn961Asp; replaces asparagine 961 with aspartic acid.
Molecular consequence: missense variant.
Genome position (GRCh38, 1-based): chr18:23,539,385, T>C on the plus strand (A>G on the coding strand, the complement: NPC1 is on the minus strand). VCF-style: chr18-23539385-T-C. GRCh37 (hg19) VCF-style: chr18-21119349-T-C.
Other names: short protein forms N961D.
Identifiers: ClinVar variation 4536035 (VCV004536035.1).

ClinVar aggregate classification (germline): Uncertain significance (1 of 4 stars; one submission).

gnomAD v4.1: 10 of 1,613,850 alleles (0.00062%); highest among the groups gnomAD compares: South Asian, 0.0011%; no homozygotes.

Submission:

Women's Health and Genetics/Laboratory Corporation of America, LabCorp
Classification: Uncertain significance. Last evaluated: 2025-09-23. Review status: criteria provided, single submitter. Criteria: LabCorp Variant Classification Summary - May 2015. Collection method: clinical testing. Allele origin: germline.
Comment: Variant summary: NPC1 c.2881A>G (p.Asn961Asp) results in a conservative amino acid change in the encoded protein sequence. Algorithms developed to predict the effect of missense changes on protein structure and function are either unavailable or do not agree on the potential impact of this missense change. The variant allele was found at a frequency of 4e-06 in 251192 control chromosomes. The available data on variant occurrences in the general population are insufficient to allow any conclusion about variant significance. To our knowledge, no occurrence of c.2881A>G in individuals affected with NPC1-related conditions and no experimental evidence demonstrating its impact on protein function have been reported. No submitters have cited clinical-significance assessments for this variant to ClinVar. Based on the evidence outlined above, the variant was classified as uncertain significance.